The following is an entry in ClinVar:

NM_198123.2(CSMD3):c.1230G>T (p.Thr410=)

Gene: CSMD3 (CUB and Sushi multiple domains 3; minus strand). Cytogenetic location: 8q23.3.
Variant type: single nucleotide variant.
Coding change: c.1230G>T on transcript NM_198123.2 (MANE Select); coding-DNA position 1230, G replaced by T.
Protein change: p.Thr410=; no amino-acid change (threonine 410 retained).
Molecular consequence: synonymous variant. On other transcripts: intron variant (2).
Genome position (GRCh38, 1-based): chr8:112,975,949, C>A on the plus strand (G>T on the coding strand, the complement: CSMD3 is on the minus strand). VCF-style: chr8-112975949-C-A. GRCh37 (hg19) VCF-style: chr8-113988178-C-A.
Other names: c.1110G>T, p.Thr370= (NM_198124.2); c.1031-28072G>T (NM_001363185.1); c.1031-21188G>T (NM_052900.3).
Identifiers: ClinVar variation 732970 (VCV000732970.6), dbSNP rs113972313, ClinGen allele CA4851052.

ClinVar aggregate classification (germline): Benign. Review status: criteria provided, multiple submitters, no conflicts (2 of 4 stars). 3 submissions from 3 submitters: Benign (2). 1 of the submissions does not count toward it. Last evaluated 2018-04-30.

Conditions:
CSMD3-related disorder. Also called: CSMD3-related condition.

Allele frequency attached by ClinVar (database versions not stated): 1000 Genomes Project 0.00499; 1000 Genomes Project 30x 0.00562; gnomAD 0.00600 and 0.00650; TOPMed 0.00647; ESP Exome Variant Server 0.00692.
gnomAD v4.1: 1,939 of 1,614,030 alleles (0.12%); highest among the groups gnomAD compares: African/African-American, 1.9%; 14 homozygotes.

Submissions (3):

Labcorp Genetics (formerly Invitae), Labcorp
Classification: Benign. Last evaluated: 2018-04-30. Review status: criteria provided, single submitter. Criteria: Invitae Variant Classification Sherloc (09022015). Collection method: clinical testing. Allele origin: germline.

Breakthrough Genomics
Classification: Benign. Review status: criteria provided, single submitter. Criteria: ACMG Guidelines, 2015. Collection method: not provided. Allele origin: germline. Inheritance: Unknown mechanism. Affected: yes.

PreventionGenetics, part of Exact Sciences
Classification: Benign for CSMD3-related condition. Last evaluated: 2019-04-11. Review status: no assertion criteria provided. Collection method: clinical testing. Allele origin: germline. Not counted in ClinVar's aggregate classification.
Comment: This variant is classified as benign based on ACMG/AMP sequence variant interpretation guidelines (Richards et al. 2015 PMID: 25741868, with internal and published modifications).